The following is an entry in ClinVar:

NM_004656.4(BAP1):c.1371G>T (p.Lys457Asn)

Gene: BAP1 (BRCA1 associated deubiquitinase 1; minus strand). Cytogenetic location: 3p21.1.
Variant type: single nucleotide variant.
Coding change: c.1371G>T on transcript NM_004656.4 (MANE Select); coding-DNA position 1371, G replaced by T.
Protein change: p.Lys457Asn; replaces lysine 457 with asparagine.
Molecular consequence: missense variant.
Genome position (GRCh38, 1-based): chr3:52,403,774, C>A on the plus strand (G>T on the coding strand, the complement: BAP1 is on the minus strand). VCF-style: chr3-52403774-C-A. GRCh37 (hg19) VCF-style: chr3-52437790-C-A.
Other names: short protein forms K457N.
Identifiers: ClinVar variation 631315 (VCV000631315.5), dbSNP rs1559586975, ClinGen allele CA353101742.

ClinVar aggregate classification (germline): Uncertain significance (1 of 4 stars; one submission).

Conditions:
Hereditary cancer-predisposing syndrome. Also called: Tumor predisposition; Neoplastic Syndromes, Hereditary; Hereditary neoplastic syndrome; Hereditary Cancer Syndrome. Identifiers: Orphanet 140162, MedGen C0027672, MeSH D009386, MONDO:0015356.

Submission:

Color Diagnostics, LLC DBA Color Health
Classification: Uncertain significance for Hereditary cancer-predisposing syndrome. Last evaluated: 2023-12-05. Review status: criteria provided, single submitter. Criteria: ACMG Guidelines, 2015. Collection method: clinical testing. Allele origin: germline.
Comment: This missense variant replaces lysine with asparagine at codon 457 of the BAP1 protein. Computational prediction suggests that this variant may not impact protein structure and function (internally defined REVEL score threshold <= 0.5, PMID: 27666373). To our knowledge, functional studies have not been reported for this variant. This variant has not been reported in individuals affected with BAP1-related disorders in the literature. This variant has not been identified in the general population by the Genome Aggregation Database (gnomAD). The available evidence is insufficient to determine the role of this variant in disease conclusively. Therefore, this variant is classified as a Variant of Uncertain Significance.